The following is an entry in ClinVar:

ClinVar aggregate classification (germline): Uncertain significance (1 of 4 stars; one submission).

Conditions:
Hereditary cancer-predisposing syndrome. Also called: Neoplastic Syndromes, Hereditary; Tumor predisposition; Hereditary neoplastic syndrome; Hereditary Cancer Syndrome. Identifiers: Orphanet 140162, MedGen C0027672, MeSH D009386, MONDO:0015356.

Submission:

Ambry Genetics
Classification: Uncertain significance for Hereditary cancer-predisposing syndrome. Last evaluated: 2026-07-07. Review status: criteria provided, single submitter. Criteria: Ambry Variant Classification Scheme 2023. Collection method: clinical testing. Allele origin: germline.
Comment: The p.H699R variant (also known as c.2096A>G), located in coding exon 20 of the RB1 gene, results from an A to G substitution at nucleotide position 2096. The histidine at codon 699 is replaced by arginine, an amino acid with highly similar properties. This amino acid position is conserved. In addition, this alteration is predicted to be deleterious by in silico analysis. Based on the available evidence, the clinical significance of this variant remains unclear.

NM_000321.3(RB1):c.2096A>G (p.His699Arg)

Gene: RB1 (RB transcriptional corepressor 1; plus strand). Cytogenetic location: 13q14.2.
Variant type: single nucleotide variant.
Coding change: c.2096A>G on transcript NM_000321.3 (MANE Select); coding-DNA position 2096, A replaced by G.
Protein change: p.His699Arg; replaces histidine 699 with arginine.
Molecular consequence: missense variant.
Genome position (GRCh38, 1-based): chr13:48,459,823, A>G. VCF-style: chr13-48459823-A-G. GRCh37 (hg19) VCF-style: chr13-49033959-A-G.
Other names: c.2096A>G, p.His699Arg (NM_001407165.1); short protein forms H699R.
Identifiers: ClinVar variation 5027955 (VCV005027955.1).
Genomic context (GRCh38, chr13:48,459,823, plus strand): 5'-TCATCTGGACCCTTTTCCAGCACACCCTGCAGAATGAGTATGAACTCATGAGAGACAGGC[A>G]TTTGGACCAAGTAAGAAAATCAAGCACTTCACCTTCTCTCCTCCCTACTTACTTGTTAAC-3'
Protein context (NP_000312.2, residues 689-709): QNEYELMRDR[His699Arg]LDQIMMCSMY